The following is an entry in ClinVar:

NM_001161352.2(KCNMA1):c.117CTC[5] (p.Ser59_Ser60del)

Gene: KCNMA1 (potassium calcium-activated channel subfamily M alpha 1; minus strand). Cytogenetic location: 10q22.3.
Variant type: Microsatellite.
Coding change: c.117CTC[5] on transcript NM_001161352.2 (MANE Select); five copies in a row of the 3-base unit CTC starting at c.117; the reference has seven copies in a row; two copies, 6 bases deleted.
Protein change: p.Ser59_Ser60del.
Molecular consequence: inframe deletion.
Genome position (GRCh38, 1-based): chr10:77,637,506-77,637,511, GAGGAG deleted on the plus strand (CTCCTC on the coding strand, the reverse complement: KCNMA1 is on the minus strand); deleting any 6 consecutive bases within chr10:77,637,506-77,637,528 gives the same sequence; the position shown is the placement nearest the transcript's 3' end. VCF-style (leftmost placement, unchanged base first): chr10-77637505-AGAGGAG-A. GRCh37 (hg19) VCF-style: chr10-79397263-AGAGGAG-A.
Other names: c.132_137del6 (NM_002247.3); c.132_137del (NM_002247.3); c.117CTC[5], p.Ser59_Ser60del (NM_001014797.3, NM_001161353.2, NM_001271518.2 and 12 more transcripts).
Identifiers: ClinVar variation 464292 (VCV000464292.26), dbSNP rs572827902, ClinGen allele CA5568801.

ClinVar aggregate classification (germline): Conflicting classifications of pathogenicity. Review status: criteria provided, conflicting classifications (1 of 4 stars). 6 submissions from 6 submitters: Uncertain significance (2); Benign (1); Likely benign (3). Last evaluated 2026-01-28.

Conditions:
Generalized epilepsy-paroxysmal dyskinesia syndrome (PNKD3). Also called: Generalized epilepsy and paroxysmal dyskinesia; Paroxysmal nonkinesigenic dyskinesia, 3, with or without generalized epilepsy. Identifiers: Orphanet 79137, MedGen C5574945, MONDO:0012276, OMIM 609446.
KCNMA1-related disorder. Also called: KCNMA1-related condition; KCNMA1-related disorders.

Submissions (6):

Labcorp Genetics (formerly Invitae), Labcorp
Classification: Likely benign for Generalized epilepsy-paroxysmal dyskinesia syndrome. Last evaluated: 2026-01-28. Review status: criteria provided, single submitter. Criteria: Invitae Variant Classification Sherloc (09022015). Collection method: clinical testing. Allele origin: germline.

GeneDx
Classification: Uncertain significance. Last evaluated: 2025-09-16. Review status: criteria provided, single submitter. Criteria: GeneDx Variant Classification Process June 2021. Collection method: clinical testing. Allele origin: germline. Affected: yes.
Comment: Reported previously as a variant of uncertain significance in a patient with clinically diagnosed Dravet syndrome; however, the patient also harbored variants of uncertain significance in two other genes (PMID: 33067208); In-frame deletion of 2 of amino acid(s) in a repetitive region with no known function; This variant is associated with the following publications: (PMID: 29581464, 33067208)

ARUP Laboratories, Molecular Genetics and Genomics, ARUP Laboratories
Classification: Likely benign. Last evaluated: 2024-10-25. Review status: criteria provided, single submitter. Criteria: ARUP Molecular Germline Variant Investigation Process 2024. Collection method: clinical testing. Allele origin: germline.

Athena Diagnostics
Classification: Benign. Last evaluated: 2024-08-14. Review status: criteria provided, single submitter. Criteria: Athena Diagnostics Criteria. Collection method: clinical testing. Allele origin: unknown.

PreventionGenetics, part of Exact Sciences
Classification: Uncertain significance for KCNMA1-related condition. Last evaluated: 2022-11-17. Review status: criteria provided, single submitter. Criteria: ACMG Guidelines, 2015. Collection method: clinical testing. Allele origin: germline.
Comment: The KCNMA1 c.132_137del6 variant is predicted to result in an in-frame deletion (p.Ser59_Ser60del). This variant was reported as a variant of uncertain significance in an individual with Dravet syndrome; however, this individual had variants in two other genes (Lee et al 2020. PubMed ID: 33067208). This variant is reported in 0.16% of alleles in individuals of Latino descent in gnomAD which is likely too high for a dominant pathogenic variant. Although we suspect that this variant may be benign, at this time, the clinical significance of this variant is uncertain due to the absence of conclusive functional and genetic evidence.

Eurofins Ntd Llc (ga)
Classification: Likely benign. Last evaluated: 2018-08-20. Review status: criteria provided, single submitter. Criteria: EGL ClinVar v180209 classification definitions. Collection method: clinical testing. Allele origin: germline.